The following is an entry in ClinVar:

ClinVar aggregate classification (germline): Uncertain significance. Review status: criteria provided, multiple submitters, no conflicts (2 of 4 stars). 4 submissions from 4 submitters: Uncertain significance (4). Last evaluated 2026-06-15.

Conditions:
Finnish congenital nephrotic syndrome (NPHS1). Also called: NEPHROTIC SYNDROME, TYPE 1. Identifiers: Orphanet 839, MedGen C0403399, MONDO:0009732, OMIM 256300.

Allele frequency attached by ClinVar (database versions not stated): gnomAD exomes below 0.00001.
gnomAD v4.1: 2 of 1,610,404 alleles (0.00012%); highest among the groups gnomAD compares: Non-Finnish European, 0.00017%; no homozygotes.

Submissions (4):

Myriad Genetics, Inc.
Classification: Uncertain significance for Finnish congenital nephrotic syndrome. Last evaluated: 2026-06-15. Review status: criteria provided, single submitter. Criteria: Myriad Autosomal Dominant, Autosomal Recessive and X-Linked Classification Criteria (2023). Collection method: clinical testing. Allele origin: unknown.
Comment: NM_004646.3(NPHS1):c.2159A>C(H720P) is a missense variant classified as a variant of uncertain significance in the context of nephrotic syndrome, NPHS1-related. H720P has been observed in a case with relevant disease (PMID: 38444459). Relevant functional assessments of this variant are not available in the literature. H720P has not been observed in referenced population frequency databases. In summary, there is insufficient evidence to classify NM_004646.3(NPHS1):c.2159A>C(H720P) as pathogenic or benign. Please note: this variant was assessed in the context of healthy population screening.

Illumina Laboratory Services, Illumina
Classification: Uncertain significance for Finnish congenital nephrotic syndrome. Last evaluated: 2023-06-17. Review status: criteria provided, single submitter. Criteria: ICSLVariantClassificationCriteria RUGD 01 April 2020. Collection method: clinical testing. Allele origin: unknown.
Comment: The NPHS1 c.2159A>C (p.His720Pro) missense variant has not, to our knowledge, been reported in the peer-reviewed literature. This variant is not observed in version 2.1.1 or version 3.1.2 of the Genome Aggregation Database. This variant was identified in trans with a pathogenic variant. Based on the available evidence, the c.2159A>C (p.His720Pro) variant is classified as a variant of uncertain significance for congenital nephrotic syndrome.

Fulgent Genetics
Classification: Uncertain significance for Finnish congenital nephrotic syndrome. Last evaluated: 2022-03-28. Review status: criteria provided, single submitter. Criteria: ACMG Guidelines, 2015. Collection method: clinical testing. Allele origin: unknown.

Athena Diagnostics
Classification: Uncertain significance. Last evaluated: 2020-03-09. Review status: criteria provided, single submitter. Criteria: Athena Diagnostics Criteria. Collection method: clinical testing. Allele origin: unknown.

Literature cited by the submitters: PubMed 38444459 (cited by Myriad Genetics, Inc.).

NM_004646.4(NPHS1):c.2159A>C (p.His720Pro)

Gene: NPHS1 (NPHS1 adhesion molecule, nephrin; minus strand). Cytogenetic location: 19q13.12.
Variant type: single nucleotide variant.
Coding change: c.2159A>C on transcript NM_004646.4 (MANE Select); coding-DNA position 2159, A replaced by C.
Protein change: p.His720Pro; replaces histidine 720 with proline.
Molecular consequence: missense variant.
Genome position (GRCh38, 1-based): chr19:35,844,156, T>G on the plus strand (A>C on the coding strand, the complement: NPHS1 is on the minus strand). VCF-style: chr19-35844156-T-G. GRCh37 (hg19) VCF-style: chr19-36335058-T-G.
Other names: short protein forms H720P.
Identifiers: ClinVar variation 994656 (VCV000994656.4), dbSNP rs760911714, ClinGen allele CA405397337.